The following is an entry in ClinVar:

NM_001197104.2(KMT2A):c.3539G>T (p.Gly1180Val)

Gene: KMT2A (lysine methyltransferase 2A; plus strand). Cytogenetic location: 11q23.3.
Variant type: single nucleotide variant.
Coding change: c.3539G>T on transcript NM_001197104.2 (MANE Select); coding-DNA position 3539, G replaced by T.
Protein change: p.Gly1180Val; replaces glycine 1180 with valine.
Molecular consequence: missense variant.
Genome position (GRCh38, 1-based): chr11:118,478,171, G>T. VCF-style: chr11-118478171-G-T. GRCh37 (hg19) VCF-style: chr11-118348886-G-T.
Other names: c.3539G>T, p.Gly1180Val (NM_005933.4); short protein forms G1180V.
Identifiers: ClinVar variation 521531 (VCV000521531.5), dbSNP rs1555038115, ClinGen allele CA382825144.

ClinVar aggregate classification (germline): Conflicting classifications of pathogenicity. Review status: criteria provided, conflicting classifications (1 of 4 stars). 2 submissions from 2 submitters: Likely pathogenic (1); Uncertain significance (1). Last evaluated 2023-09-26.

Conditions:
Inborn genetic diseases. Identifiers: MedGen C0950123, MeSH D030342.

Submissions (2):

GeneDx
Classification: Likely pathogenic. Last evaluated: 2023-09-26. Review status: criteria provided, single submitter. Criteria: GeneDx Variant Classification Process June 2021. Collection method: clinical testing. Allele origin: germline. Affected: yes.
Comment: Reported as a variant of uncertain significance in one patient from a large cohort of individuals with reported clinical diagnosis of Wiedemann-Steiner syndrome, but patient specific clinical information or segregation data was not provided (Sheppard et al., 2021); Not observed at significant frequency in large population cohorts (gnomAD); In silico analysis supports that this missense variant has a deleterious effect on protein structure/function; This variant is associated with the following publications: (PMID: 33783954, 29453417)

Ambry Genetics
Classification: Uncertain significance for Inborn genetic diseases. Last evaluated: 2017-01-19. Review status: criteria provided, single submitter. Criteria: Ambry exome assertion method (8-5-2015). Collection method: clinical testing. Allele origin: germline. Affected: yes. Observed: 1 variant allele.